The following is an entry in ClinVar:

ClinVar aggregate classification (germline): Uncertain significance (1 of 4 stars; one submission).

gnomAD v4.1: 2 of 1,614,164 alleles (0.00012%); highest among the groups gnomAD compares: Non-Finnish European, 0.00017%; no homozygotes.

Submission:

Labcorp Genetics (formerly Invitae), Labcorp
Classification: Uncertain significance. Last evaluated: 2024-04-08. Review status: criteria provided, single submitter. Criteria: Invitae Variant Classification Sherloc (09022015). Collection method: clinical testing. Allele origin: germline.
Comment: This sequence change replaces lysine, which is basic and polar, with asparagine, which is neutral and polar, at codon 862 of the DSCAML1 protein (p.Lys862Asn). This variant is not present in population databases (gnomAD no frequency). This variant has not been reported in the literature in individuals affected with DSCAML1-related conditions. An algorithm developed to predict the effect of missense changes on protein structure and function (PolyPhen-2) suggests that this variant is likely to be disruptive. In summary, the available evidence is currently insufficient to determine the role of this variant in disease. Therefore, it has been classified as a Variant of Uncertain Significance.

NM_020693.4(DSCAML1):c.2406G>C (p.Lys802Asn)

Gene: DSCAML1 (DS cell adhesion molecule like 1; minus strand). Cytogenetic location: 11q23.3.
Variant type: single nucleotide variant.
Coding change: c.2406G>C on transcript NM_020693.4 (MANE Select); coding-DNA position 2406, G replaced by C.
Protein change: p.Lys802Asn; replaces lysine 802 with asparagine.
Molecular consequence: missense variant.
Genome position (GRCh38, 1-based): chr11:117,482,116, C>G on the plus strand (G>C on the coding strand, the complement: DSCAML1 is on the minus strand). VCF-style: chr11-117482116-C-G. GRCh37 (hg19) VCF-style: chr11-117352831-C-G.
Other names: c.2406G>C, p.Lys802Asn (NM_001367904.1); short protein forms K802N.
Identifiers: ClinVar variation 3621303 (VCV003621303.2).